The following is an entry in ClinVar:

NM_001395413.1(POR):c.604G>C (p.Glu202Gln)

Gene: POR (cytochrome p450 oxidoreductase; plus strand). Cytogenetic location: 7q11.23.
Variant type: single nucleotide variant.
Coding change: c.604G>C on transcript NM_001395413.1 (MANE Select); coding-DNA position 604, G replaced by C.
Protein change: p.Glu202Gln; replaces glutamic acid 202 with glutamine.
Molecular consequence: missense variant.
Genome position (GRCh38, 1-based): chr7:75,981,144, G>C. VCF-style: chr7-75981144-G-C. GRCh37 (hg19) VCF-style: chr7-75610462-G-C.
Other names: c.604G>C, p.Glu202Gln (NM_001367562.3, NM_001382657.2, NM_001382658.3 and 2 more transcripts); c.658G>C, p.Glu220Gln (NM_001382655.3); short protein forms E202Q, E220Q.
Identifiers: ClinVar variation 1465641 (VCV001465641.6), dbSNP rs1585129186, ClinGen allele CA367748141.

ClinVar aggregate classification (germline): Uncertain significance (1 of 4 stars; one submission).

Conditions:
Congenital adrenal hyperplasia due to cytochrome P450 oxidoreductase deficiency. Also called: DISORDERED STEROIDOGENESIS DUE TO POR DEFICIENCY. Identifiers: Orphanet 95699, MedGen C1860042, MONDO:0013310, OMIM 613571.

Allele frequency attached by ClinVar (database versions not stated): gnomAD exomes below 0.00001.
gnomAD v4.1: 3 of 1,553,902 alleles (0.00019%); highest among the groups gnomAD compares: Non-Finnish European, 0.00017%; no homozygotes.

Submission:

Labcorp Genetics (formerly Invitae), Labcorp
Classification: Uncertain significance for Congenital adrenal hyperplasia due to cytochrome P450 oxidoreductase deficiency. Last evaluated: 2021-11-11. Review status: criteria provided, single submitter. Criteria: Invitae Variant Classification Sherloc (09022015). Collection method: clinical testing. Allele origin: germline.
Comment: Algorithms developed to predict the effect of missense changes on protein structure and function are either unavailable or do not agree on the potential impact of this missense change (SIFT: "Deleterious"; PolyPhen-2: "Benign"; Align-GVGD: "Class C0"). In summary, the available evidence is currently insufficient to determine the role of this variant in disease. Therefore, it has been classified as a Variant of Uncertain Significance. This variant has not been reported in the literature in individuals affected with POR-related conditions. This variant is not present in population databases (gnomAD no frequency). This sequence change replaces glutamic acid, which is acidic and polar, with glutamine, which is neutral and polar, at codon 205 of the POR protein (p.Glu205Gln).